The following is an entry in ClinVar:

NM_000540.3(RYR1):c.13729A>G (p.Ile4577Val)

Gene: RYR1 (ryanodine receptor 1; plus strand). Cytogenetic location: 19q13.2.
Variant type: single nucleotide variant.
Coding change: c.13729A>G on transcript NM_000540.3 (MANE Select); coding-DNA position 13729, A replaced by G.
Protein change: p.Ile4577Val; replaces isoleucine 4577 with valine.
Molecular consequence: missense variant.
Genome position (GRCh38, 1-based): chr19:38,570,676, A>G. VCF-style: chr19-38570676-A-G. GRCh37 (hg19) VCF-style: chr19-39061316-A-G.
Other names: c.13714A>G, p.Ile4572Val (NM_001042723.2); short protein forms I4572V, I4577V.
Identifiers: ClinVar variation 2139894 (VCV002139894.5), dbSNP rs1462773397, ClinGen allele CA405678953.

ClinVar aggregate classification (germline): Uncertain significance. Review status: criteria provided, multiple submitters, no conflicts (2 of 4 stars). 2 submissions from 2 submitters: Uncertain significance (2). Last evaluated 2024-09-30.

Conditions:
Malignant hyperthermia, susceptibility to, 1 (MHS1). Also called: RYR1-Related Malignant Hyperthermia Susceptibility; Malignant hyperthermia suceptibility 1; Anesthesia related hyperthermia; Malignant hyperpyrexia; Fulminating hyperpyrexia; Pharmacogenic myopathy. Identifiers: Orphanet 423, MedGen C2930980, MONDO:0007783, OMIM 145600.
King Denborough syndrome (KDS). Identifiers: MedGen C1840365, MONDO:0020485, OMIM 619542.
Central core myopathy (CMYO1A). Also called: CONGENITAL MYOPATHY 1A, AUTOSOMAL DOMINANT, WITH SUSCEPTIBILITY TO MALIGNANT HYPERTHERMIA; Central core disease; Myopathy, central fibrillar. Identifiers: Orphanet 597, MedGen C5830701, MONDO:0007294, OMIM 117000.
Congenital multicore myopathy with external ophthalmoplegia (CMYO1B). Also called: MULTICORE MYOPATHY; Congenital myopathy 1B, autosomal recessive; Minicore myopathy; Minicore myopathy with external ophthalmoplegia; MULTIMINICORE DISEASE WITH EXTERNAL OPHTHALMOPLEGIA. Identifiers: Orphanet 598, Orphanet 98905, MedGen C1850674, MONDO:0009712, OMIM 255320, HP:0003789.
RYR1-related disorder. Also called: RYR1-related condition; RYR1-related disorders. Identifiers: MedGen CN239331.

Allele frequency attached by ClinVar (database versions not stated): gnomAD exomes below 0.00001.
gnomAD v4.1: 1 of 1,613,816 alleles (0.000062%); highest among the groups gnomAD compares: East Asian, 0.0022%; no homozygotes.

Submissions (2):

Labcorp Genetics (formerly Invitae), Labcorp
Classification: Uncertain significance for RYR1-related disorder. Last evaluated: 2024-09-30. Review status: criteria provided, single submitter. Criteria: Invitae Variant Classification Sherloc (09022015). Collection method: clinical testing. Allele origin: germline.
Comment: This sequence change replaces isoleucine, which is neutral and non-polar, with valine, which is neutral and non-polar, at codon 4577 of the RYR1 protein (p.Ile4577Val). This variant is not present in population databases (gnomAD no frequency). This variant has not been reported in the literature in individuals affected with RYR1-related conditions. ClinVar contains an entry for this variant (Variation ID: 2139894). Invitae Evidence Modeling of protein sequence and biophysical properties (such as structural, functional, and spatial information, amino acid conservation, physicochemical variation, residue mobility, and thermodynamic stability) indicates that this missense variant is expected to disrupt RYR1 protein function with a positive predictive value of 95%. In summary, the available evidence is currently insufficient to determine the role of this variant in disease. Therefore, it has been classified as a Variant of Uncertain Significance.

Juno Genomics, Hangzhou Juno Genomics, Inc
Classification: Uncertain significance for Central core myopathy; Congenital multicore myopathy with external ophthalmoplegia; Malignant hyperthermia, susceptibility to, 1; King Denborough syndrome. Review status: criteria provided, single submitter. Criteria: ACMG Guidelines, 2015. Collection method: clinical testing. Allele origin: germline.
Comment: Absent from controls (or at extremely low frequency if recessive) in Genome Aggregation Database.;Missense variant in a gene that has a low rate of benign missense variation.;Multiple lines of computational evidence support a deleterious effect on the gene or gene product.